The following is an entry in ClinVar:

ClinVar aggregate classification (germline): Pathogenic (1 of 4 stars; one submission).

Conditions:
Hereditary breast ovarian cancer syndrome. Also called: Hereditary breast and ovarian cancer; Hereditary breast and ovarian cancer syndrome; Breast and ovarian cancer; BRCA1- and BRCA2-Associated Hereditary Breast and Ovarian Cancer; Hereditary breast and/or ovarian cancer syndrome; Hereditary breast and ovarian cancer syndrome (HBOC). Identifiers: Orphanet 145, MedGen C0677776, MeSH D061325, MONDO:0003582. Disease mechanism: loss of function.

Submission:

Labcorp Genetics (formerly Invitae), Labcorp
Classification: Pathogenic for Hereditary breast ovarian cancer syndrome. Last evaluated: 2021-08-05. Review status: criteria provided, single submitter. Criteria: Invitae Variant Classification Sherloc (09022015). Collection method: clinical testing. Allele origin: germline.
Comment: For these reasons, this variant has been classified as Pathogenic. Studies have shown that disruption of this splice site alters mRNA splicing and is expected to lead to the loss of protein expression (PMID: 30883759). Disruption of this splice site has been observed in individual(s) with Fanconi anemia, breast cancer, and/or ovarian cancer (PMID: 18703817, 24156927, 28102861, 28724667, 29176636, 29446198, 30792206). This variant is not present in population databases (ExAC no frequency). This sequence change affects a donor splice site in intron 5 of the BRCA2 gene. It is expected to disrupt RNA splicing. Variants that disrupt the donor or acceptor splice site typically lead to a loss of protein function (PMID: 16199547), and loss-of-function variants in BRCA2 are known to be pathogenic (PMID: 20104584).

Literature cited by the submitters: PubMed 30883759; PubMed 18703817; PubMed 24156927; PubMed 28102861; PubMed 28724667; PubMed 29176636; PubMed 29446198; PubMed 30792206; PubMed 16199547; PubMed 20104584.

NM_000059.4(BRCA2):c.475+1G>C

Gene: BRCA2 (BRCA2 DNA repair associated; plus strand). Cytogenetic location: 13q13.1.
Variant type: single nucleotide variant.
Coding change: c.475+1G>C on transcript NM_000059.4 (MANE Select); the canonical splice donor site of the intron after coding-DNA position 475, G replaced by C.
Molecular consequence: splice donor variant.
Genome position (GRCh38, 1-based): chr13:32,326,151, G>C. VCF-style: chr13-32326151-G-C. GRCh37 (hg19) VCF-style: chr13-32900288-G-C.
Other names: c.475+1G>C (NM_001406720.1, NM_001406719.1, NM_001406721.1); c.106+1G>C (NM_001406722.1).
Identifiers: ClinVar variation 1443852 (VCV001443852.6), dbSNP rs81002797, ClinGen allele CA387757261.
Genomic context (GRCh38, chr13:32,326,151, plus strand): 5'-TTTATTTTAGTCCTGTTGTTCTACAATGTACACATGTAACACCACAAAGAGATAAGTCAG[G>C]TATGATTAAAAACAATGCTTTTTATTCTTAGAATACTAGAAATGTTAATAAAAATAAAAC-3'